The following is an entry in ClinVar:

NM_004655.4(AXIN2):c.1560C>A (p.His520Gln)

Gene: AXIN2 (axin 2; minus strand). Cytogenetic location: 17q24.1.
Variant type: single nucleotide variant.
Coding change: c.1560C>A on transcript NM_004655.4 (MANE Select); coding-DNA position 1560, C replaced by A.
Protein change: p.His520Gln; replaces histidine 520 with glutamine.
Molecular consequence: missense variant.
Genome position (GRCh38, 1-based): chr17:65,537,476, G>T on the plus strand (C>A on the coding strand, the complement: AXIN2 is on the minus strand). VCF-style: chr17-65537476-G-T. GRCh37 (hg19) VCF-style: chr17-63533594-G-T.
Other names: c.1560C>A (LRG_296t1); c.1560C>A, p.His520Gln (NM_001363813.1); short protein forms H520Q.
Identifiers: ClinVar variation 649117 (VCV000649117.10), dbSNP rs1598098799, ClinGen allele CA400677263.

ClinVar aggregate classification (germline): Uncertain significance. Review status: criteria provided, multiple submitters, no conflicts (2 of 4 stars). 2 submissions from 2 submitters: Uncertain significance (2). Last evaluated 2025-05-03.

Conditions:
Hereditary cancer-predisposing syndrome. Also called: Neoplastic Syndromes, Hereditary; Tumor predisposition; Hereditary Cancer Syndrome; Hereditary neoplastic syndrome. Identifiers: Orphanet 140162, MedGen C0027672, MeSH D009386, MONDO:0015356.
Oligodontia-cancer predisposition syndrome. Also called: TOOTH AGENESIS-COLORECTAL CANCER SYNDROME. Identifiers: Orphanet 300576, MedGen C1837750, MONDO:0012075, OMIM 608615. Disease mechanism: loss of function.

gnomAD v4.1: 1 of 1,613,958 alleles (0.000062%); highest among the groups gnomAD compares: Non-Finnish European, 0.000085%; no homozygotes.

Submissions (2):

Ambry Genetics
Classification: Uncertain significance for Hereditary cancer-predisposing syndrome. Last evaluated: 2025-05-03. Review status: criteria provided, single submitter. Criteria: Ambry Variant Classification Scheme 2023. Collection method: clinical testing. Allele origin: germline.
Comment: The p.H520Q variant (also known as c.1560C>A), located in coding exon 5 of the AXIN2 gene, results from a C to A substitution at nucleotide position 1560. The histidine at codon 520 is replaced by glutamine, an amino acid with highly similar properties. This amino acid position is conserved. In addition, the in silico prediction for this alteration is inconclusive. Since supporting evidence is limited at this time, the clinical significance of this alteration remains unclear.

Labcorp Genetics (formerly Invitae), Labcorp
Classification: Uncertain significance for Oligodontia-cancer predisposition syndrome. Last evaluated: 2024-04-06. Review status: criteria provided, single submitter. Criteria: Invitae Variant Classification Sherloc (09022015). Collection method: clinical testing. Allele origin: germline.
Comment: This sequence change replaces histidine, which is basic and polar, with glutamine, which is neutral and polar, at codon 520 of the AXIN2 protein (p.His520Gln). This variant is not present in population databases (gnomAD no frequency). This variant has not been reported in the literature in individuals affected with AXIN2-related conditions. ClinVar contains an entry for this variant (Variation ID: 649117). An algorithm developed to predict the effect of missense changes on protein structure and function (PolyPhen-2) suggests that this variant is likely to be disruptive. In summary, the available evidence is currently insufficient to determine the role of this variant in disease. Therefore, it has been classified as a Variant of Uncertain Significance.